The following is an entry in ClinVar:

ClinVar aggregate classification (germline): Uncertain significance. Review status: criteria provided, multiple submitters, no conflicts (2 of 4 stars). 3 submissions from 3 submitters: Uncertain significance (2). 1 of the submissions does not count toward it. Last evaluated 2022-05-28.

Conditions:
Alstrom syndrome (ALMS). Identifiers: Orphanet 64, MedGen C0268425, MONDO:0008763, OMIM 203800.

Allele frequency attached by ClinVar (database versions not stated): ExAC 0.00001; gnomAD exomes 0.00001; TOPMed 0.00001; ESP Exome Variant Server 0.00008.
gnomAD v4.1: 18 of 1,608,860 alleles (0.0011%); highest among the groups gnomAD compares: Non-Finnish European, 0.0015%; no homozygotes.

Submissions (3):

Labcorp Genetics (formerly Invitae), Labcorp
Classification: Uncertain significance for Alstrom syndrome. Last evaluated: 2022-05-28. Review status: criteria provided, single submitter. Criteria: Invitae Variant Classification Sherloc (09022015). Collection method: clinical testing. Allele origin: germline.
Comment: This sequence change replaces glutamic acid, which is acidic and polar, with lysine, which is basic and polar, at codon 1871 of the ALMS1 protein (p.Glu1871Lys). This variant is present in population databases (rs372714431, gnomAD 0.002%). This variant has not been reported in the literature in individuals affected with ALMS1-related conditions. ClinVar contains an entry for this variant (Variation ID: 550972). Experimental studies and prediction algorithms are not available or were not evaluated, and the functional significance of this variant is currently unknown. In summary, the available evidence is currently insufficient to determine the role of this variant in disease. Therefore, it has been classified as a Variant of Uncertain Significance.

GeneDx
Classification: Uncertain significance. Last evaluated: 2021-09-30. Review status: criteria provided, single submitter. Criteria: GeneDx Variant Classification Process June 2021. Collection method: clinical testing. Allele origin: germline. Affected: yes.
Comment: Has not been previously published as pathogenic or benign to our knowledge; Not observed at significant frequency in large population cohorts (Lek et al., 2016); In silico analysis supports that this missense variant does not alter protein structure/function

Counsyl
Classification: Uncertain significance for Alstrom syndrome. Last evaluated: 2017-03-14. Review status: no assertion criteria provided. Collection method: clinical testing. Allele origin: unknown. Not counted in ClinVar's aggregate classification.

NM_001378454.1(ALMS1):c.5608G>A (p.Glu1870Lys)

Gene: ALMS1 (ALMS1 centrosome and basal body associated protein; plus strand). Cytogenetic location: 2p13.1.
Variant type: single nucleotide variant.
Coding change: c.5608G>A on transcript NM_001378454.1 (MANE Select); coding-DNA position 5608, G replaced by A.
Protein change: p.Glu1870Lys; replaces glutamic acid 1870 with lysine.
Molecular consequence: missense variant.
Genome position (GRCh38, 1-based): chr2:73,452,135, G>A. VCF-style: chr2-73452135-G-A. GRCh37 (hg19) VCF-style: chr2-73679262-G-A.
Other names: c.5611G>A, p.Glu1871Lys (NM_015120.4); short protein forms E1871K, E1870K.
Identifiers: ClinVar variation 550972 (VCV000550972.5), dbSNP rs372714431, ClinGen allele CA1713913.
Genomic context (GRCh38, chr2:73,452,135, plus strand): 5'-TCCTACCCACAGAGAGAGCACTCTGTCATTTCTTATGAGCAGGAGTTGCCAGATCTTACT[G>A]AAGTAACTTTGAAAGCAATAGGGGTTCCTGGGCCTGCTGACCAGAAGACTGGGATACAAA-3'
Protein context (NP_001365383.1, residues 1860-1880): SYEQELPDLT[Glu1870Lys]VTLKAIGVPG